The following is an entry in ClinVar:

ClinVar aggregate classification (germline): Uncertain significance (1 of 4 stars; one submission).

Submission:

Labcorp Genetics (formerly Invitae), Labcorp
Classification: Uncertain significance. Last evaluated: 2024-10-31. Review status: criteria provided, single submitter. Criteria: Invitae Variant Classification Sherloc (09022015). Collection method: clinical testing. Allele origin: germline.
Comment: This sequence change replaces proline, which is neutral and non-polar, with leucine, which is neutral and non-polar, at codon 241 of the DNA2 protein (p.Pro241Leu). This variant is not present in population databases (gnomAD no frequency). This variant has not been reported in the literature in individuals affected with DNA2-related conditions. An algorithm developed to predict the effect of missense changes on protein structure and function outputs the following: PolyPhen-2: "Not Available". The leucine amino acid residue is found in multiple mammalian species, which suggests that this missense change does not adversely affect protein function. In summary, the available evidence is currently insufficient to determine the role of this variant in disease. Therefore, it has been classified as a Variant of Uncertain Significance.

NM_001080449.3(DNA2):c.722C>T (p.Pro241Leu)

Gene: DNA2 (DNA replication helicase/nuclease 2; minus strand). Cytogenetic location: 10q21.3.
Variant type: single nucleotide variant.
Coding change: c.722C>T on transcript NM_001080449.3 (MANE Select); coding-DNA position 722, C replaced by T.
Protein change: p.Pro241Leu; replaces proline 241 with leucine.
Molecular consequence: missense variant. On other transcripts: non-coding transcript variant (1).
Genome position (GRCh38, 1-based): chr10:68,450,245, G>A on the plus strand (C>T on the coding strand, the complement: DNA2 is on the minus strand). VCF-style: chr10-68450245-G-A. GRCh37 (hg19) VCF-style: chr10-70210002-G-A.
Other names: short protein forms P241L.
Identifiers: ClinVar variation 3678856 (VCV003678856.2).